The following is an entry in ClinVar:

ClinVar aggregate classification (germline): Uncertain significance (1 of 4 stars; one submission).

Conditions:
Malignant hyperthermia, susceptibility to, 5 (MHS5). Also called: CACNA1S-Related Malignant Hyperthermia Susceptibility. Identifiers: Orphanet 423, MedGen C1866077, MONDO:0011163, OMIM 601887.

Submission:

All of Us Research Program, National Institutes of Health
Classification: Uncertain significance for Malignant hyperthermia, susceptibility to, 5. Last evaluated: 2023-06-08. Review status: criteria provided, single submitter. Criteria: ACMG Guidelines, 2015. Collection method: clinical testing. Allele origin: germline. Inheritance: Autosomal dominant inheritance. Observed: 1 variant allele, 1 heterozygote.
Comment: This variant is located in the CACNA1S protein. To our knowledge, functional studies have not been reported for this variant. This variant has not been reported in individuals affected with CACNA1S-related disorders in the literature. This variant has not been identified in the general population by the Genome Aggregation Database (gnomAD). The available evidence is insufficient to determine the role of this variant in disease conclusively. Therefore, this variant is classified as a Variant of Uncertain Significance.

This study involves interpretation of variants in research participants for the purpose of population health screening. Participant phenotype was not available at the time of variant classification. Additional details can be found in publication PMID: 35346344, PMCID: PMC8962531

NM_000069.3(CACNA1S):c.30C>T (p.Gly10=)

Gene: CACNA1S (calcium voltage-gated channel subunit alpha1 S; minus strand). Cytogenetic location: 1q32.1.
Variant type: single nucleotide variant.
Coding change: c.30C>T on transcript NM_000069.3 (MANE Select); coding-DNA position 30, C replaced by T.
Protein change: p.Gly10=; no amino-acid change (glycine 10 retained).
Molecular consequence: synonymous variant.
Genome position (GRCh38, 1-based): chr1:201,112,310, G>A on the plus strand (C>T on the coding strand, the complement: CACNA1S is on the minus strand). VCF-style: chr1-201112310-G-A. GRCh37 (hg19) VCF-style: chr1-201081438-G-A.
Identifiers: ClinVar variation 3071470 (VCV003071470.1), dbSNP rs2464701889, ClinGen allele CA422698297.